The following is an entry in ClinVar:

ClinVar aggregate classification (germline): Uncertain significance (1 of 4 stars; one submission).

Conditions:
Idiopathic generalized epilepsy. Also called: EIG; Generalised epilepsy. Identifiers: MedGen C0270850, MONDO:0005579, OMIM 600669.
Hyperaldosteronism, familial, type IV (HALD4). Also called: FH IV; ALDOSTERONISM, PRIMARY, AND HYPERTENSION. Identifiers: Orphanet 642671, MedGen C4310756, MONDO:0014875, OMIM 617027.

Submission:

Labcorp Genetics (formerly Invitae), Labcorp
Classification: Uncertain significance for Idiopathic generalized epilepsy; Hyperaldosteronism, familial, type IV. Last evaluated: 2022-02-09. Review status: criteria provided, single submitter. Criteria: Invitae Variant Classification Sherloc (09022015). Collection method: clinical testing. Allele origin: germline.
Comment: In summary, the available evidence is currently insufficient to determine the role of this variant in disease. Therefore, it has been classified as a Variant of Uncertain Significance. Algorithms developed to predict the effect of sequence changes on RNA splicing suggest that this variant may create or strengthen a splice site. Experimental studies and prediction algorithms are not available or were not evaluated, and the functional significance of this variant is currently unknown. This variant has not been reported in the literature in individuals affected with CACNA1H-related conditions. This variant is not present in population databases (gnomAD no frequency). This variant, c.6678_6704dup, results in the insertion of 9 amino acid(s) of the CACNA1H protein (p.Pro2227_Thr2235dup), but otherwise preserves the integrity of the reading frame.

NM_021098.3(CACNA1H):c.6678_6704dup (p.Pro2227_Thr2235dup)

Gene: CACNA1H (calcium voltage-gated channel subunit alpha1 H; plus strand). Cytogenetic location: 16p13.3.
Variant type: Duplication.
Coding change: c.6678_6704dup on transcript NM_021098.3 (MANE Select); coding-DNA positions 6678 to 6704, 27 bases duplicated (GCCTCACAGGGACTCCCTGGAGCCCAC).
Protein change: p.Pro2227_Thr2235dup.
Molecular consequence: inframe insertion.
Genome position (GRCh38, 1-based): chr16:1,220,610-1,220,636, GCCTCACAGGGACTCCCTGGAGCCCAC duplicated; duplicating any 27 consecutive bases within chr16:1,220,606-1,220,636 gives the same sequence; the c. name uses the placement nearest the transcript's 3' end. VCF-style (leftmost placement, unchanged base first): chr16-1220605-G-GCCACGCCTCACAGGGACTCCCTGGAGC. GRCh37 (hg19) VCF-style: chr16-1270605-G-GCCACGCCTCACAGGGACTCCCTGGAGC.
Other names: c.6660_6686dup, p.Pro2221_Thr2229dup (NM_001005407.2).
Identifiers: ClinVar variation 1347637 (VCV001347637.6), dbSNP rs2141411243, ClinGen allele CA2573151703.